The following is an entry in ClinVar:

ClinVar aggregate classification (germline): Likely benign. Review status: criteria provided, multiple submitters, no conflicts (2 of 4 stars). 2 submissions from 2 submitters: Likely benign (2). Last evaluated 2024-08-07.

Conditions:
Juvenile polyposis syndrome (JPS). Identifiers: Orphanet 2929, MedGen C0345893, MONDO:0017380, OMIM 174900.

Submissions (2):

Myriad Genetics, Inc.
Classification: Likely benign for Juvenile polyposis syndrome. Last evaluated: 2024-08-07. Review status: criteria provided, single submitter. Criteria: Myriad Autosomal Dominant, Autosomal Recessive and X-Linked Classification Criteria (2023). Collection method: clinical testing. Allele origin: unknown.
Comment: This variant is considered likely benign. This variant is intronic and is not expected to impact mRNA splicing.

Labcorp Genetics (formerly Invitae), Labcorp
Classification: Likely benign for Juvenile polyposis syndrome. Last evaluated: 2024-03-02. Review status: criteria provided, single submitter. Criteria: Invitae Variant Classification Sherloc (09022015). Collection method: clinical testing. Allele origin: germline.

NM_004329.3(BMPR1A):c.1343-19T>C

Gene: BMPR1A (bone morphogenetic protein receptor type 1A; plus strand). Cytogenetic location: 10q23.2.
Variant type: single nucleotide variant.
Coding change: c.1343-19T>C on transcript NM_004329.3 (MANE Select); 19 bases into the intron before coding-DNA position 1343, T replaced by C.
Molecular consequence: intron variant.
Genome position (GRCh38, 1-based): chr10:86,923,357, T>C. VCF-style: chr10-86923357-T-C. GRCh37 (hg19) VCF-style: chr10-88683114-T-C.
Other names: c.1343-19T>C (NM_001406562.1, NM_001406568.1, NM_001406567.1 and 19 more transcripts); c.1259-19T>C (NM_001406584.1, NM_001406588.1, NM_001406587.1 and 2 more transcripts); c.1391-19T>C (NM_001406560.1); c.1418-19T>C (NM_001406559.1); c.1337-19T>C (NM_001406583.1); c.1001-19T>C (NM_001406589.1).
Identifiers: ClinVar variation 3379031 (VCV003379031.3).